The following is an entry in ClinVar:

NM_024678.6(NARS2):c.947del (p.Asn316fs)

Gene: NARS2 (asparaginyl-tRNA synthetase 2, mitochondrial; minus strand). Cytogenetic location: 11q14.1.
Variant type: Deletion.
Coding change: c.947del on transcript NM_024678.6 (MANE Select); coding-DNA position 947, one base deleted (A; older notation c.947delA).
Protein change: p.Asn316fs; shifts the reading frame from asparagine 316.
Molecular consequence: frameshift variant.
Genome position (GRCh38, 1-based): chr11:78,478,450, T deleted on the plus strand (A on the coding strand, the reverse complement: NARS2 is on the minus strand); the first of 6 consecutive T bases (chr11:78,478,450-78,478,455); deleting any one gives the same sequence. VCF-style (leftmost placement, unchanged base first): chr11-78478449-GT-G. GRCh37 (hg19) VCF-style: chr11-78189495-GT-G.
Other names: c.266del, p.Asn89fs (NM_001243251.2); short protein forms N316fs, N89fs.
Identifiers: ClinVar variation 1683378 (VCV001683378.9), dbSNP rs755975670, ClinGen allele CA6205647.
Genomic context (GRCh38, chr11:78,478,449, plus strand): 5'-TAAATACAGTGATAATGAATAAAGTTCAAAAAGTATAACATCTACTTACATTAAAAAGTT[GT>G]TTTTTAGCATATGTTCTAATCTGTCCTTAATAAAAAGACAAAAAAGAAAATTTTAAAAAT-3'

ClinVar aggregate classification (germline): Pathogenic/Likely pathogenic. Review status: criteria provided, multiple submitters, no conflicts (2 of 4 stars). 4 submissions from 4 submitters: Pathogenic (1); Likely pathogenic (3). Last evaluated 2026-08-11.

Conditions:
NARS2-related disorder. Also called: NARS2-related condition.
Combined oxidative phosphorylation defect type 24. Also called: Combined oxidative phosphorylation deficiency 24. Identifiers: Orphanet 444458, MedGen C4015643, MONDO:0014547, OMIM 616239.

Submissions (4):

PreventionGenetics, part of Exact Sciences
Classification: Likely pathogenic for NARS2-related condition. Last evaluated: 2026-08-11. Review status: criteria provided, single submitter. Criteria: ACMG Guidelines, 2015. Collection method: clinical testing. Allele origin: germline.
Comment: The NARS2 c.947delA variant is predicted to result in a frameshift and premature protein termination (p.Asn316Thrfs*4). To our knowledge, this variant has not been reported in the literature. This variant is reported in 0.0086% of alleles in individuals of Latino descent in gnomAD. Frameshift variants in NARS2 are expected to be pathogenic. This variant is interpreted as likely pathogenic.

Labcorp Genetics (formerly Invitae), Labcorp
Classification: Pathogenic. Last evaluated: 2025-12-10. Review status: criteria provided, single submitter. Criteria: Invitae Variant Classification Sherloc (09022015). Collection method: clinical testing. Allele origin: germline.
Comment: This sequence change creates a premature translational stop signal (p.Asn316Thrfs*4) in the NARS2 gene. It is expected to result in an absent or disrupted protein product. Loss-of-function variants in NARS2 are known to be pathogenic (PMID: 25807530, 26402642). The frequency data for this variant in the population databases is considered unreliable, as metrics indicate poor data quality at this position in the gnomAD database. This variant has not been reported in the literature in individuals affected with NARS2-related conditions. ClinVar contains an entry for this variant (Variation ID: 1683378). For these reasons, this variant has been classified as Pathogenic.

Blueprint Genetics
Classification: Likely pathogenic for NARS2-related disorders. Last evaluated: 2024-10-24. Review status: criteria provided, single submitter. Criteria: ACMG Guidelines, 2015. Collection method: clinical testing. Allele origin: germline. Affected: yes. Observed: 5 variant alleles.

Women's Health and Genetics/Laboratory Corporation of America, LabCorp
Classification: Likely pathogenic for Combined oxidative phosphorylation defect type 24. Last evaluated: 2022-04-07. Review status: criteria provided, single submitter. Criteria: LabCorp Variant Classification Summary - May 2015. Collection method: clinical testing. Allele origin: germline.
Comment: Variant summary: NARS2 c.947delA (p.Asn316ThrfsX4) results in a premature termination codon, predicted to cause a truncation of the encoded protein or absence of the protein due to nonsense mediated decay, which are commonly known mechanisms for disease. Truncations downstream of this position have been reported in association with Leigh syndrome in HGMD (p.Tyr323*) and have been classified as likely pathogenic/pathogenic in clinvar (p.Tyr323*, p.Tyr412*, p.Arg436*). The variant allele was found at a frequency of 9.4e-06 in 106286 control chromosomes. To our knowledge, no occurrence of c.947delA in individuals affected with Combined Oxidative Phosphorylation Deficiency 24 and no experimental evidence demonstrating its impact on protein function have been reported. No clinical diagnostic laboratories have submitted clinical-significance assessments for this variant to ClinVar after 2014. Based on the evidence outlined above, the variant was classified as likely pathogenic.

Literature cited by the submitters: PubMed 25807530 (cited by Labcorp Genetics (formerly Invitae), Labcorp); PubMed 26402642 (cited by Labcorp Genetics (formerly Invitae), Labcorp).